The following is an entry in ClinVar:

ClinVar aggregate classification (germline): Uncertain significance. Review status: criteria provided, multiple submitters, no conflicts (2 of 4 stars). 3 submissions from 3 submitters: Uncertain significance (3). Last evaluated 2025-08-18.

Conditions:
RASopathy. Also called: Noonan spectrum disorder; rasopathies. Identifiers: Orphanet 536391, MedGen C5555857, MONDO:0021060.
Cardiovascular phenotype. Identifiers: MedGen CN230736.

Allele frequency attached by ClinVar (database versions not stated): gnomAD exomes below 0.00001.
gnomAD v4.1: 2 of 1,601,580 alleles (0.00012%); highest among the groups gnomAD compares: East Asian, 0.0022%; no homozygotes.

Submissions (3):

Ambry Genetics
Classification: Uncertain significance for Cardiovascular phenotype. Last evaluated: 2025-08-18. Review status: criteria provided, single submitter. Criteria: Ambry Variant Classification Scheme 2023. Collection method: clinical testing. Allele origin: germline.
Comment: The p.M383T variant (also known as c.1148T>C), located in coding exon 10 of the PTPN11 gene, results from a T to C substitution at nucleotide position 1148. The methionine at codon 383 is replaced by threonine, an amino acid with similar properties. This amino acid position is highly conserved in available vertebrate species. In addition, this alteration is predicted to be deleterious by in silico analysis. Since supporting evidence is limited at this time, the clinical significance of this alteration remains unclear.

Labcorp Genetics (formerly Invitae), Labcorp
Classification: Uncertain significance for RASopathy. Last evaluated: 2025-05-05. Review status: criteria provided, single submitter. Criteria: Invitae Variant Classification Sherloc (09022015). Collection method: clinical testing. Allele origin: germline.
Comment: This sequence change replaces methionine, which is neutral and non-polar, with threonine, which is neutral and polar, at codon 383 of the PTPN11 protein (p.Met383Thr). This variant is present in population databases (no rsID available, gnomAD 0.004%). This variant has not been reported in the literature in individuals affected with PTPN11-related conditions. ClinVar contains an entry for this variant (Variation ID: 1474733). Invitae Evidence Modeling of protein sequence and biophysical properties (such as structural, functional, and spatial information, amino acid conservation, physicochemical variation, residue mobility, and thermodynamic stability) has been performed for this missense variant. However, the output from this modeling did not meet the statistical confidence thresholds required to predict the impact of this variant on PTPN11 protein function. In summary, the available evidence is currently insufficient to determine the role of this variant in disease. Therefore, it has been classified as a Variant of Uncertain Significance.

Blueprint Genetics
Classification: Uncertain significance. Last evaluated: 2019-12-03. Review status: criteria provided, single submitter. Criteria: ACMG Guidelines, 2015. Collection method: clinical testing. Allele origin: germline.

NM_002834.5(PTPN11):c.1148T>C (p.Met383Thr)

Gene: PTPN11 (protein tyrosine phosphatase non-receptor type 11; plus strand). Cytogenetic location: 12q24.13.
Variant type: single nucleotide variant.
Coding change: c.1148T>C on transcript NM_002834.5 (MANE Select); coding-DNA position 1148, T replaced by C.
Protein change: p.Met383Thr; replaces methionine 383 with threonine.
Molecular consequence: missense variant.
Genome position (GRCh38, 1-based): chr12:112,482,129, T>C. VCF-style: chr12-112482129-T-C. GRCh37 (hg19) VCF-style: chr12-112919933-T-C.
Other names: c.1148T>C, p.Met383Thr (NM_001330437.2, NM_080601.3); c.1145T>C, p.Met382Thr (NM_001374625.1); short protein forms M383T, M382T.
Identifiers: ClinVar variation 1474733 (VCV001474733.12), dbSNP rs1260386432, ClinGen allele CA386775740.